The following is an entry in ClinVar:

NM_018896.5(CACNA1G):c.3691-6C>G

Gene: CACNA1G (calcium voltage-gated channel subunit alpha1 G; plus strand). Cytogenetic location: 17q21.33.
Variant type: single nucleotide variant.
Coding change: c.3691-6C>G on transcript NM_018896.5 (MANE Select); 6 bases into the intron before coding-DNA position 3691, C replaced by G.
Molecular consequence: intron variant.
Genome position (GRCh38, 1-based): chr17:50,600,720, C>G. VCF-style: chr17-50600720-C-G. GRCh37 (hg19) VCF-style: chr17-48678081-C-G.
Other names: p.?; c.3691-6C>G (NM_001256325.2, NM_198377.3, NM_198380.3 and 16 more transcripts); c.3622-6C>G (NM_198396.3, NM_198379.3, NM_198387.3 and 5 more transcripts).
Identifiers: ClinVar variation 729248 (VCV000729248.44), dbSNP rs182987793, ClinGen allele CA8652802.
Genomic context (GRCh38, chr17:50,600,720, plus strand): 5'-TGAGGAGCCAGGAGCCGGGGAACCTGGAGGCCTGGTCCTGCTCATACTCCAGTGTTTGTT[C>G]TGCAGAGCAAAGGGGAACGGGTCCGCGCGTGGATCCGAGCCCGACTCCCTGCCTGCTGCC-3'

ClinVar aggregate classification (germline): Benign/Likely benign. Review status: criteria provided, multiple submitters, no conflicts (2 of 4 stars). 5 submissions from 5 submitters: Benign (3); Likely benign (2). Last evaluated 2026-08-01.

Allele frequency attached by ClinVar (database versions not stated): 1000 Genomes Project 0.00040; 1000 Genomes Project 30x 0.00062; ESP Exome Variant Server 0.00113; gnomAD exomes 0.00119 and 0.00167; ExAC 0.00123; TOPMed 0.00138; gnomAD 0.00141 and 0.00148.
gnomAD v4.1: 2,650 of 1,613,374 alleles (0.16%); highest among the groups gnomAD compares: Non-Finnish European, 0.2%; 4 homozygotes.

Submissions (5):

CeGaT Center for Human Genetics Tuebingen
Classification: Likely benign. Last evaluated: 2026-08-01. Review status: criteria provided, single submitter. Criteria: CeGaT Center For Human Genetics Tuebingen Variant Classification Criteria Version 2. Collection method: clinical testing. Allele origin: germline. Affected: yes. Observed: 9 variant alleles.
Comment: CACNA1G: BP4, BS1

Labcorp Genetics (formerly Invitae), Labcorp
Classification: Benign. Last evaluated: 2026-01-05. Review status: criteria provided, single submitter. Criteria: Invitae Variant Classification Sherloc (09022015). Collection method: clinical testing. Allele origin: germline.

Blueprint Genetics
Classification: Likely benign. Last evaluated: 2024-10-24. Review status: criteria provided, single submitter. Criteria: ACMG Guidelines, 2015. Collection method: clinical testing. Allele origin: germline.

Mayo Clinic Laboratories, Mayo Clinic
Classification: Benign. Last evaluated: 2024-01-19. Review status: criteria provided, single submitter. Criteria: ACMG Guidelines, 2015. Collection method: clinical testing. Allele origin: germline. Observed: 2 variant alleles.
Comment: BS1, BS2, BP4, BP7

GeneDx
Classification: Benign. Last evaluated: 2021-05-20. Review status: criteria provided, single submitter. Criteria: GeneDx Variant Classification Process June 2021. Collection method: clinical testing. Allele origin: germline. Affected: yes.